The following is an entry in ClinVar:

NM_007294.4(BRCA1):c.3394A>G (p.Asn1132Asp)

Genes: BRCA1 (BRCA1 DNA repair associated; minus strand), LOC126862571 (BRD4-independent group 4 enhancer GRCh37_chr17:41243136-41244335; plus strand). Cytogenetic location: 17q21.31.
Variant type: single nucleotide variant.
Coding change: c.3394A>G on transcript NM_007294.4 (MANE Select); coding-DNA position 3394, A replaced by G.
Protein change: p.Asn1132Asp; replaces asparagine 1132 with aspartic acid.
Molecular consequence: missense variant. On other transcripts: intron variant (135).
Genome position (GRCh38, 1-based): chr17:43,092,137, T>C on the plus strand (A>G on the coding strand, the complement: BRCA1 is on the minus strand). VCF-style: chr17-43092137-T-C. GRCh37 (hg19) VCF-style: chr17-41244154-T-C.
Other names: c.3253A>G, p.Asn1085Asp (NM_001407728.1, NM_001407729.1, NM_001407730.1 and 29 more transcripts); c.3250A>G, p.Asn1084Asp (NM_001407740.1, NM_001407741.1, NM_001407742.1 and 20 more transcripts); c.3181A>G, p.Asn1061Asp (NM_001407853.1, NM_001407894.1, NM_001407895.1 and 9 more transcripts); c.3394A>G, p.Asn1132Asp (NM_001407854.1, NM_001407858.1, NM_001407859.1 and 30 more transcripts); c.3391A>G, p.Asn1131Asp (NM_001407860.1, NM_001407861.1, NM_001407587.1 and 22 more transcripts); c.3193A>G, p.Asn1065Asp (NM_001407862.1); c.3271A>G, p.Asn1091Asp (NM_001407863.1, NM_001407919.1, NM_001407937.1 and 19 more transcripts); c.3190A>G, p.Asn1064Asp (NM_001407874.1, NM_001407875.1); and 41 more; short protein forms N1132D, N1085D, N1004D, N1020D, N1021D, N1044D, N1084D, N1091D.
Identifiers: ClinVar variation 183852 (VCV000183852.32), dbSNP rs530464947, ClinGen allele CA002194.

ClinVar aggregate classification (germline): Conflicting classifications of pathogenicity. Review status: criteria provided, conflicting classifications (1 of 4 stars). 10 submissions from 10 submitters: Uncertain significance (8); Likely benign (1). 1 of the submissions does not count toward it. Last evaluated 2026-01-13.

Conditions:
Hereditary breast ovarian cancer syndrome. Also called: Hereditary breast and ovarian cancer syndrome; Hereditary breast and ovarian cancer syndrome (HBOC); BRCA1- and BRCA2-Associated Hereditary Breast and Ovarian Cancer; Breast and ovarian cancer; Hereditary breast and ovarian cancer; Hereditary breast and/or ovarian cancer syndrome. Identifiers: Orphanet 145, MedGen C0677776, MeSH D061325, MONDO:0003582. Disease mechanism: loss of function.
Pancreatic cancer, susceptibility to, 4. Identifiers: Orphanet 1333, MedGen C3280442, MONDO:0013685, OMIM 614320.
Fanconi anemia, complementation group S (FANCS). Identifiers: MedGen C4554406, MONDO:0054748, OMIM 617883.
Breast-ovarian cancer, familial, susceptibility to, 1 (BROVCA1). Also called: OVARIAN CANCER, SUSCEPTIBILITY TO; BRCA1 Hereditary Breast and Ovarian Cancer. Identifiers: Orphanet 145, MedGen C2676676, MONDO:0011450, OMIM 604370. Disease mechanism: loss of function.
Hereditary cancer-predisposing syndrome. Also called: Hereditary Cancer Syndrome; Hereditary neoplastic syndrome; Tumor predisposition; Neoplastic Syndromes, Hereditary. Identifiers: Orphanet 140162, MedGen C0027672, MeSH D009386, MONDO:0015356.

Allele frequency attached by ClinVar (database versions not stated): gnomAD exomes below 0.00001 and 0.00002; ExAC 0.00001; gnomAD 0.00004 and 0.00005; TOPMed 0.00004; 1000 Genomes Project 30x 0.00016; 1000 Genomes Project 0.00020.
gnomAD v4.1: 13 of 1,613,748 alleles (0.00081%); highest among the groups gnomAD compares: African/African-American, 0.017%; no homozygotes.

Submissions (10):

Labcorp Genetics (formerly Invitae), Labcorp
Classification: Uncertain significance for Hereditary breast ovarian cancer syndrome. Last evaluated: 2026-01-13. Review status: criteria provided, single submitter. Criteria: Invitae Variant Classification Sherloc (09022015). Collection method: clinical testing. Allele origin: germline.
Comment: This sequence change replaces asparagine, which is neutral and polar, with aspartic acid, which is acidic and polar, at codon 1132 of the BRCA1 protein (p.Asn1132Asp). This variant is present in population databases (rs530464947, gnomAD 0.03%). This missense change has been observed in individual(s) with breast cancer (PMID: 33646313). ClinVar contains an entry for this variant (Variation ID: 183852). Invitae Evidence Modeling of protein sequence and biophysical properties (such as structural, functional, and spatial information, amino acid conservation, physicochemical variation, residue mobility, and thermodynamic stability) indicates that this missense variant is not expected to disrupt BRCA1 protein function with a negative predictive value of 80%. In summary, the available evidence is currently insufficient to determine the role of this variant in disease. Therefore, it has been classified as a Variant of Uncertain Significance.

Ambry Genetics
Classification: Uncertain significance for Hereditary cancer-predisposing syndrome. Last evaluated: 2025-10-10. Review status: criteria provided, single submitter. Criteria: Ambry Variant Classification Scheme 2023. Collection method: clinical testing. Allele origin: germline.
Comment: The p.N1132D variant (also known as c.3394A>G), located in coding exon 9 of the BRCA1 gene, results from an A to G substitution at nucleotide position 3394. The asparagine at codon 1132 is replaced by aspartic acid, an amino acid with highly similar properties. This amino acid position is not well conserved in available vertebrate species. In addition, this alteration is predicted to be tolerated by in silico analysis. Based on the available evidence, the clinical significance of this variant remains unclear.

Women's Health and Genetics/Laboratory Corporation of America, LabCorp
Classification: Uncertain significance. Last evaluated: 2025-05-21. Review status: criteria provided, single submitter. Criteria: LabCorp Variant Classification Summary - May 2015. Collection method: clinical testing. Allele origin: germline.
Comment: Variant summary: BRCA1 c.3394A>G (p.Asn1132Asp) results in a conservative amino acid change in the encoded protein sequence. Algorithms developed to predict the effect of missense changes on protein structure and function all suggest that this variant is likely to be tolerated. The variant allele was found at a frequency of 1.6e-05 in 250786 control chromosomes. The available data on variant occurrences in the general population are insufficient to allow any conclusion about variant significance. c.3394A>G has been observed in individual(s) affected with Hereditary Breast And Ovarian Cancer Syndrome (George_2021). These report(s) do not provide unequivocal conclusions about association of the variant with Hereditary Breast And Ovarian Cancer Syndrome. To our knowledge, no experimental evidence demonstrating an impact on protein function has been reported. The following publication have been ascertained in the context of this evaluation (PMID: 33646313). ClinVar contains an entry for this variant (Variation ID: 183852). Based on the evidence outlined above, the variant was classified as uncertain significance.

Fulgent Genetics
Classification: Uncertain significance for Breast-ovarian cancer, familial, susceptibility to, 1; Pancreatic cancer, susceptibility to, 4; Fanconi anemia, complementation group S. Last evaluated: 2024-04-26. Review status: criteria provided, single submitter. Criteria: ACMG Guidelines, 2015. Collection method: clinical testing. Allele origin: germline.

All of Us Research Program, National Institutes of Health
Classification: Uncertain significance for Breast-ovarian cancer, familial, susceptibility to, 1. Last evaluated: 2023-12-13. Review status: criteria provided, single submitter. Criteria: ACMG Guidelines, 2015. Collection method: clinical testing. Allele origin: germline. Inheritance: Autosomal dominant inheritance. Observed: 1 variant allele, 1 heterozygote.
Comment: This missense variant replaces asparagine with aspartic acid at codon 1132 of the BRCA1 protein. Computational prediction suggests that this variant may not impact protein structure and function. To our knowledge, functional studies have not been reported for this variant. This variant has been reported in an individual affected with breast cancer (PMID: 33646313). This variant has been identified in 4/250786 chromosomes in the general population by the Genome Aggregation Database (gnomAD). The available evidence is insufficient to determine the role of this variant in disease conclusively. Therefore, this variant is classified as a Variant of Uncertain Significance.

This study involves interpretation of variants in research participants for the purpose of population health screening. Participant phenotype was not available at the time of variant classification. Additional details can be found in publication PMID: 35346344, PMCID: PMC8962531

Color Diagnostics, LLC DBA Color Health
Classification: Uncertain significance for Hereditary cancer-predisposing syndrome. Last evaluated: 2023-11-16. Review status: criteria provided, single submitter. Criteria: ACMG Guidelines, 2015. Collection method: clinical testing. Allele origin: germline.
Comment: This missense variant replaces asparagine with aspartic acid at codon 1132 of the BRCA1 protein. Computational prediction suggests that this variant may not impact protein structure and function. To our knowledge, functional studies have not been reported for this variant. This variant has been reported in an individual affected with breast cancer (PMID: 33646313). This variant has been identified in 4/250786 chromosomes in the general population by the Genome Aggregation Database (gnomAD). The available evidence is insufficient to determine the role of this variant in disease conclusively. Therefore, this variant is classified as a Variant of Uncertain Significance.

GeneDx
Classification: Uncertain significance. Last evaluated: 2023-05-21. Review status: criteria provided, single submitter. Criteria: GeneDx Variant Classification Process June 2021. Collection method: clinical testing. Allele origin: germline. Affected: yes.
Comment: Not observed at significant frequency in large population cohorts (gnomAD); In silico analysis supports that this missense variant has a deleterious effect on protein structure/function; Observed in an individual with breast cancer (George et al., 2021); Also known as 3513A>G; This variant is associated with the following publications: (PMID: 31911673, 33646313)

University of Washington Department of Laboratory Medicine, University of Washington
Classification: Likely benign for Hereditary cancer-predisposing syndrome. Last evaluated: 2023-03-23. Review status: criteria provided, single submitter. Criteria: Dines et al. (Genet Med. 2020). Collection method: curation. Allele origin: germline.
Comment: Missense variant in a coldspot region where missense variants are very unlikely to be pathogenic (PMID:31911673).

BRCA1 coldspot (exon 11 using historical exon numbering). Reclassification based on statistical prior probability

Quest Diagnostics Nichols Institute San Juan Capistrano
Classification: Uncertain significance. Last evaluated: 2020-01-14. Review status: criteria provided, single submitter. Criteria: Quest Diagnostics criteria. Collection method: clinical testing. Allele origin: unknown.

True Health Diagnostics
Classification: Likely benign for Hereditary cancer-predisposing syndrome. Last evaluated: 2018-01-05. Review status: no assertion criteria provided. Collection method: clinical testing. Allele origin: germline. Not counted in ClinVar's aggregate classification.

Literature cited by the submitters: PubMed 33646313 (cited by 5 submitters).